The following is an entry in ClinVar:

ClinVar aggregate classification (germline): Conflicting classifications of pathogenicity. Review status: criteria provided, conflicting classifications (1 of 4 stars). 3 submissions from 3 submitters: Uncertain significance (1); Likely benign (2). Last evaluated 2025-05-22.

Allele frequency attached by ClinVar (database versions not stated): gnomAD 0.00051 and 0.00048; ESP Exome Variant Server 0.00054; TOPMed 0.00041; 1000 Genomes Project 30x 0.00047; 1000 Genomes Project 0.00060.
gnomAD v4.1: 157 of 1,614,040 alleles (0.0097%); highest among the groups gnomAD compares: African/African-American, 0.19%; no homozygotes.

Submissions (3):

Labcorp Genetics (formerly Invitae), Labcorp
Classification: Likely benign. Last evaluated: 2025-05-22. Review status: criteria provided, single submitter. Criteria: Invitae Variant Classification Sherloc (09022015). Collection method: clinical testing. Allele origin: germline.

Blueprint Genetics
Classification: Likely benign. Last evaluated: 2024-11-26. Review status: criteria provided, single submitter. Criteria: ACMG Guidelines, 2015. Collection method: clinical testing. Allele origin: germline.

GeneDx
Classification: Uncertain significance. Last evaluated: 2024-10-23. Review status: criteria provided, single submitter. Criteria: GeneDx Variant Classification Process June 2021. Collection method: clinical testing. Allele origin: germline. Affected: yes.
Comment: Has not been previously published as pathogenic or benign to our knowledge; In silico analysis indicates that this variant does not alter splicing

NM_145691.4(ATPAF2):c.111C>T (p.Ala37=)

Gene: ATPAF2 (ATP synthase mitochondrial F1 complex assembly factor 2; minus strand). Cytogenetic location: 17p11.2.
Variant type: single nucleotide variant.
Coding change: c.111C>T on transcript NM_145691.4 (MANE Select); coding-DNA position 111, C replaced by T.
Protein change: p.Ala37=; no amino-acid change (alanine 37 retained).
Molecular consequence: synonymous variant.
Genome position (GRCh38, 1-based): chr17:18,038,903, G>A on the plus strand (C>T on the coding strand, the complement: ATPAF2 is on the minus strand). VCF-style: chr17-18038903-G-A. GRCh37 (hg19) VCF-style: chr17-17942217-G-A.
Identifiers: ClinVar variation 741640 (VCV000741640.13), dbSNP rs34738009, ClinGen allele CA8422011.
Genomic context (GRCh38, chr17:18,038,903, plus strand): 5'-GCTCGGCCCCAACCCAAAAGAACATGTCATGGTCTTACCTGTCGGCGGGGCGTAAGCCCG[G>A]GCTGGAGACGGGATGGTTGGCCCCGGACTCATAGAAGCGCTGGGGCCACCCGCCGGCCGA-3'
Protein context (NP_663729.1, residues 27-47): MSPGPTIPSP[Ala37=]RAYAPPTERK